The following is an entry in ClinVar:

NM_003036.4(SKI):c.504dup (p.Phe169fs)

Gene: SKI (SKI proto-oncogene; plus strand). Cytogenetic location: 1p36.33.
Variant type: Duplication.
Coding change: c.504dup on transcript NM_003036.4 (MANE Select); coding-DNA position 504, one base duplicated (C; older notation c.504dupC).
Protein change: p.Phe169fs; shifts the reading frame from phenylalanine 169.
Molecular consequence: frameshift variant.
Genome position (GRCh38, 1-based): chr1:2,229,270, C duplicated; the last of 3 consecutive C bases (chr1:2,229,268-2,229,270); duplicating any one gives the same sequence. VCF-style (leftmost placement, unchanged base first): chr1-2229267-G-GC. GRCh37 (hg19) VCF-style: chr1-2160706-G-GC.
Other names: short protein forms F169fs.
Identifiers: ClinVar variation 3371293 (VCV003371293.1).

ClinVar aggregate classification (germline): Uncertain significance (1 of 4 stars; one submission).

Submission:

GeneDx
Classification: Uncertain significance. Last evaluated: 2024-03-25. Review status: criteria provided, single submitter. Criteria: GeneDx Variant Classification Process June 2021. Collection method: clinical testing. Allele origin: germline. Affected: yes.
Comment: Not observed at significant frequency in large population cohorts (gnomAD); Frameshift variant predicted to result in protein truncation or nonsense mediated decay in a gene for which loss-of-function is not a known mechanism of disease; Has not been previously published as pathogenic or benign to our knowledge